The following is an entry in ClinVar:

ClinVar aggregate classification (germline): Uncertain significance (1 of 4 stars; one submission).

Allele frequency attached by ClinVar (database versions not stated): ESP Exome Variant Server 0.00023.
gnomAD v4.1: 34 of 1,613,936 alleles (0.0021%); highest among the groups gnomAD compares: Non-Finnish European, 0.0026%; no homozygotes.

Submission:

Labcorp Genetics (formerly Invitae), Labcorp
Classification: Uncertain significance. Last evaluated: 2021-08-19. Review status: criteria provided, single submitter. Criteria: Invitae Variant Classification Sherloc (09022015). Collection method: clinical testing. Allele origin: germline.
Comment: This sequence change replaces aspartic acid with asparagine at codon 650 of the ADAMTS17 protein (p.Asp650Asn). The aspartic acid residue is highly conserved and there is a small physicochemical difference between aspartic acid and asparagine. This variant is present in population databases (rs145922030, ExAC 0.01%). This variant has not been reported in the literature in individuals affected with ADAMTS17-related conditions. Algorithms developed to predict the effect of missense changes on protein structure and function are either unavailable or do not agree on the potential impact of this missense change (SIFT: "Not Available"; PolyPhen-2: "Possibly Damaging"; Align-GVGD: "Not Available"). In summary, the available evidence is currently insufficient to determine the role of this variant in disease. Therefore, it has been classified as a Variant of Uncertain Significance.

NM_139057.4(ADAMTS17):c.1948G>A (p.Asp650Asn)

Gene: ADAMTS17 (ADAM metallopeptidase with thrombospondin type 1 motif 17; minus strand). Cytogenetic location: 15q26.3.
Variant type: single nucleotide variant.
Coding change: c.1948G>A on transcript NM_139057.4 (MANE Select); coding-DNA position 1948, G replaced by A.
Protein change: p.Asp650Asn; replaces aspartic acid 650 with asparagine.
Molecular consequence: missense variant.
Genome position (GRCh38, 1-based): chr15:100,109,057, C>T on the plus strand (G>A on the coding strand, the complement: ADAMTS17 is on the minus strand). VCF-style: chr15-100109057-C-T. GRCh37 (hg19) VCF-style: chr15-100649262-C-T.
Other names: short protein forms D650N.
Identifiers: ClinVar variation 1432962 (VCV001432962.3), dbSNP rs145922030, ClinGen allele CA7757971.
Genomic context (GRCh38, chr15:100,109,057, plus strand): 5'-TGCCGTGCACGCAGAGATCAGTCTCGTAGGGCCCGCAGGGTGTACCGTCCAGGACCCTGT[C>T]GGCCACCAGCAGTGGGGACTCCTTCCCGAGGGGCGAGCAGTAGAGTTCACATGGCTTATC-3'
Protein context (NP_620688.2, residues 640-660): LGKESPLLVA[Asp650Asn]RVLDGTPCGP